The following is an entry in ClinVar:

ClinVar aggregate classification (germline): Benign. Review status: criteria provided, multiple submitters, no conflicts (2 of 4 stars). 16 submissions from 16 submitters: Benign (13). 3 of the submissions do not count toward it. Last evaluated 2026-02-04.

Conditions:
Retinal dystrophy. Also called: Inherited retinal dystrophy. Identifiers: Orphanet 71862, MedGen C0854723, MeSH D058499, MONDO:0019118, HP:0000556.
Usher syndrome type 2A. Also called: RETINAL DISEASE IN USHER SYNDROME TYPE IIA, MODIFIER OF; USHER SYNDROME, TYPE IIA. Identifiers: Orphanet 231178, Orphanet 886, MedGen C1848634, MONDO:0010169, OMIM 276901.

Allele frequency attached by ClinVar (database versions not stated): gnomAD exomes 0.53305 and 0.54820; ESP Exome Variant Server 0.57058; TOPMed 0.58561; gnomAD 0.58403 and 0.57979; ExAC 0.54689; 1000 Genomes Project 30x 0.58510; 1000 Genomes Project 0.58866.
gnomAD v4.1: 867,763 of 1,613,422 alleles (54%); highest among the groups gnomAD compares: African/African-American, 69%; 235,006 homozygotes.

Submissions (16):

Labcorp Genetics (formerly Invitae), Labcorp
Classification: Benign. Last evaluated: 2026-02-04. Review status: criteria provided, single submitter. Criteria: Invitae Variant Classification Sherloc (09022015). Collection method: clinical testing. Allele origin: germline.

Blueprint Genetics
Classification: Benign. Last evaluated: 2024-11-26. Review status: criteria provided, single submitter. Criteria: ACMG Guidelines, 2015. Collection method: clinical testing. Allele origin: germline.

ARUP Laboratories, Molecular Genetics and Genomics, ARUP Laboratories
Classification: Benign. Last evaluated: 2023-11-29. Review status: criteria provided, single submitter. Criteria: ARUP Molecular Germline Variant Investigation Process 2024. Collection method: clinical testing. Allele origin: germline.

Dept Of Ophthalmology, Nagoya University
Classification: Benign for Retinal dystrophy. Last evaluated: 2023-10-01. Review status: criteria provided, single submitter. Criteria: Submitter's publication. Collection method: research. Allele origin: germline. Affected: yes.

Women's Health and Genetics/Laboratory Corporation of America, LabCorp
Classification: Benign. Last evaluated: 2023-04-16. Review status: criteria provided, single submitter. Criteria: LabCorp Variant Classification Summary - May 2015. Collection method: clinical testing. Allele origin: germline.

Genome-Nilou Lab
Classification: Benign for Usher syndrome type 2A. Last evaluated: 2021-07-01. Review status: criteria provided, single submitter. Criteria: ACMG Guidelines, 2015. Collection method: clinical testing. Allele origin: germline. Affected: no.

Mendelics
Classification: Benign for Usher syndrome type 2A. Last evaluated: 2019-05-28. Review status: criteria provided, single submitter. Criteria: Mendelics Assertion Criteria 2017. Collection method: clinical testing. Allele origin: unknown.

Mayo Clinic Laboratories, Mayo Clinic
Classification: Benign. Last evaluated: 2019-05-23. Review status: criteria provided, single submitter. Criteria: ACMG Guidelines, 2015. Collection method: clinical testing. Allele origin: germline. Observed: 115 variant alleles.

Eurofins Ntd Llc (ga)
Classification: Benign. Last evaluated: 2013-03-06. Review status: criteria provided, single submitter. Criteria: EGL Classification Definitions 2015. Collection method: clinical testing. Allele origin: germline. Observed: 8 variant alleles, 5 heterozygotes, 3 homozygotes.

Laboratory for Molecular Medicine, Mass General Brigham Personalized Medicine
Classification: Benign. Last evaluated: 2012-02-02. Review status: criteria provided, single submitter. Criteria: LMM Criteria. Collection method: clinical testing. Allele origin: germline. Observed: 1,447 variant alleles.
Comment: Caucasian data = 3655/7020 (ESP data)

GeneDx
Classification: Benign. Last evaluated: 2011-07-05. Review status: criteria provided, single submitter. Criteria: GeneDx Variant Classification (06012015). Collection method: clinical testing. Allele origin: germline. Affected: yes.
Comment: This variant is considered likely benign or benign based on one or more of the following criteria: it is a conservative change, it occurs at a poorly conserved position in the protein, it is predicted to be benign by multiple in silico algorithms, and/or has population frequency not consistent with disease.

Breakthrough Genomics
Classification: Benign. Review status: criteria provided, single submitter. Criteria: ACMG Guidelines, 2015. Collection method: not provided. Allele origin: germline. Inheritance: Autosomal recessive inheritance. Affected: yes.

PreventionGenetics, part of Exact Sciences
Classification: Benign. Review status: criteria provided, single submitter. Criteria: ACMG Guidelines, 2015. Collection method: clinical testing. Allele origin: germline.

Natera, Inc.
Classification: Benign for Usher syndrome type 2A. Last evaluated: 2020-09-16. Review status: no assertion criteria provided. Collection method: clinical testing. Allele origin: germline. Not counted in ClinVar's aggregate classification.

Diagnostic Laboratory, Department of Genetics, University Medical Center Groningen
Classification: Benign. Review status: no assertion criteria provided. Collection method: clinical testing. Allele origin: germline. Affected: yes. Study: VKGL Data-share Consensus. Not counted in ClinVar's aggregate classification.

Joint Genome Diagnostic Labs from Nijmegen and Maastricht, Radboudumc and MUMC+
Classification: Benign. Review status: no assertion criteria provided. Collection method: clinical testing. Allele origin: germline. Affected: yes. Study: VKGL Data-share Consensus. Not counted in ClinVar's aggregate classification.

NM_206933.4(USH2A):c.10232A>C (p.Glu3411Ala)

Gene: USH2A (usherin; minus strand). Cytogenetic location: 1q41.
Variant type: single nucleotide variant.
Coding change: c.10232A>C on transcript NM_206933.4 (MANE Select); coding-DNA position 10232, A replaced by C.
Protein change: p.Glu3411Ala; replaces glutamic acid 3411 with alanine.
Molecular consequence: missense variant.
Genome position (GRCh38, 1-based): chr1:215,786,825, T>G on the plus strand (A>C on the coding strand, the complement: USH2A is on the minus strand). VCF-style: chr1-215786825-T-G. GRCh37 (hg19) VCF-style: chr1-215960167-T-G.
Other names: p.E3411A:GAA>GCA; short protein forms E3411A.
Identifiers: ClinVar variation 48344 (VCV000048344.45), dbSNP rs10864198, ClinGen allele CA143215.
Genomic context (GRCh38, chr1:215,786,825, plus strand): 5'-GACCCTCTTATCACAGTGCAAATGTGGCTGGTAAAGTTGAAGTCACACCTGCCACAATGT[T>G]CTGTGGCTTCCATAGATGCTGGGCAGAGGATCCTGCACTCTTTGGTTTCCTGAGTCAAGT-3'
Protein context (NP_996816.3, residues 3401-3421): ILCPASMEAT[Glu3411Ala]HCGRCDFNFT